The following is an entry in ClinVar:

NM_014989.7(RIMS1):c.4526G>A (p.Arg1509Gln)

Gene: RIMS1 (regulating synaptic membrane exocytosis 1; plus strand). Cytogenetic location: 6q13.
Variant type: single nucleotide variant.
Coding change: c.4526G>A on transcript NM_014989.7 (MANE Select); coding-DNA position 4526, G replaced by A.
Protein change: p.Arg1509Gln; replaces arginine 1509 with glutamine.
Molecular consequence: missense variant.
Genome position (GRCh38, 1-based): chr6:72,392,718, G>A. VCF-style: chr6-72392718-G-A. GRCh37 (hg19) VCF-style: chr6-73102420-G-A.
Other names: c.2486G>A, p.Arg829Gln (NM_001168407.2); c.1901G>A, p.Arg634Gln (NM_001168408.2, NM_001350430.2); c.1730G>A, p.Arg577Gln (NM_001168409.2); c.1928G>A, p.Arg643Gln (NM_001168410.2); c.107G>A, p.Arg36Gln (NM_001168411.2); c.2447G>A, p.Arg816Gln (NM_001350414.2); c.2543G>A, p.Arg848Gln (NM_001350415.2); c.2492G>A, p.Arg831Gln (NM_001350416.2); and 54 more; short protein forms R1509Q, R583Q, R603Q, R606Q, R633Q, R635Q, R645Q, R718Q.
Identifiers: ClinVar variation 1468329 (VCV001468329.8), dbSNP rs746144932, ClinGen allele CA3886546.

ClinVar aggregate classification (germline): Uncertain significance (1 of 4 stars; one submission).

Allele frequency attached by ClinVar (database versions not stated): ExAC 0.00002; gnomAD exomes 0.00002.
gnomAD v4.1: 8 of 1,612,806 alleles (0.0005%); highest among the groups gnomAD compares: Non-Finnish European, 0.00059%; no homozygotes.

Submission:

Labcorp Genetics (formerly Invitae), Labcorp
Classification: Uncertain significance. Last evaluated: 2020-11-27. Review status: criteria provided, single submitter. Criteria: Invitae Variant Classification Sherloc (09022015). Collection method: clinical testing. Allele origin: germline.
Comment: In summary, the available evidence is currently insufficient to determine the role of this variant in disease. Therefore, it has been classified as a Variant of Uncertain Significance. Algorithms developed to predict the effect of missense changes on protein structure and function are either unavailable or do not agree on the potential impact of this missense change (SIFT: "Deleterious"; PolyPhen-2: "Probably Damaging"; Align-GVGD: "Class C0"). This variant has not been reported in the literature in individuals with RIMS1-related conditions. This variant is present in population databases (rs746144932, ExAC 0.003%). This sequence change replaces arginine with glutamine at codon 1509 of the RIMS1 protein (p.Arg1509Gln). The arginine residue is highly conserved and there is a small physicochemical difference between arginine and glutamine.